The following is an entry in ClinVar:

NM_022725.4(FANCF):c.986T>C (p.Leu329Pro)

Genes: FANCF (FA complementation group F; minus strand), LOC130005443 (ATAC-STARR-seq lymphoblastoid active region 4533; plus strand). Cytogenetic location: 11p14.3.
Variant type: single nucleotide variant.
Coding change: c.986T>C on transcript NM_022725.4 (MANE Select); coding-DNA position 986, T replaced by C.
Protein change: p.Leu329Pro; replaces leucine 329 with proline.
Molecular consequence: missense variant.
Genome position (GRCh38, 1-based): chr11:22,624,825, A>G on the plus strand (T>C on the coding strand, the complement: FANCF is on the minus strand). VCF-style: chr11-22624825-A-G. GRCh37 (hg19) VCF-style: chr11-22646371-A-G.
Other names: short protein forms L329P.
Identifiers: ClinVar variation 859048 (VCV000859048.10), dbSNP rs766964364, ClinGen allele CA5924218.
Genomic context (GRCh38, chr11:22,624,825, plus strand): 5'-TCTGTCCAGATGCTAAGACCAGGTACTTCAAAATCTCCATCCTGCGCTTTACAGGTCTCC[A>G]GGGCAGTTAGAACTTTATCTTTCAGAGGTGGAGGGGCCTGACAGAGGCTTTGAAACCTAT-3'
Protein context (NP_073562.1, residues 319-339): PPLKDKVLTA[Leu329Pro]ETCKAQDGDF

ClinVar aggregate classification (germline): Uncertain significance. Review status: criteria provided, multiple submitters, no conflicts (2 of 4 stars). 2 submissions from 2 submitters: Uncertain significance (2). Last evaluated 2024-04-15.

Conditions:
Fanconi anemia complementation group F. Also called: FANCF-Related Fanconi Anemia. Identifiers: Orphanet 84, MedGen C3469526, MONDO:0011325, OMIM 603467.
Fanconi anemia (FA). Also called: Fanconi's anemia. Identifiers: Orphanet 84, MedGen C0015625, MeSH D005199, MONDO:0019391.

Allele frequency attached by ClinVar (database versions not stated): gnomAD exomes 0.00001 and 0.00002; ExAC 0.00002; gnomAD 0.00002; TOPMed 0.00002.

Submissions (2):

Fulgent Genetics
Classification: Uncertain significance for Fanconi anemia complementation group F. Last evaluated: 2024-04-15. Review status: criteria provided, single submitter. Criteria: ACMG Guidelines, 2015. Collection method: clinical testing. Allele origin: germline.

Labcorp Genetics (formerly Invitae), Labcorp
Classification: Uncertain significance for Fanconi anemia. Last evaluated: 2021-04-03. Review status: criteria provided, single submitter. Criteria: Invitae Variant Classification Sherloc (09022015). Collection method: clinical testing. Allele origin: germline.
Comment: In summary, the available evidence is currently insufficient to determine the role of this variant in disease. Therefore, it has been classified as a Variant of Uncertain Significance. Algorithms developed to predict the effect of missense changes on protein structure and function (SIFT, PolyPhen-2, Align-GVGD) all suggest that this variant is likely to be disruptive, but these predictions have not been confirmed by published functional studies and their clinical significance is uncertain. This variant has not been reported in the literature in individuals with FANCF-related conditions. This variant is present in population databases (rs766964364, ExAC 0.003%). This sequence change replaces leucine with proline at codon 329 of the FANCF protein (p.Leu329Pro). The leucine residue is highly conserved and there is a moderate physicochemical difference between leucine and proline.